The following is an entry in ClinVar:

NM_002485.5(NBN):c.1598A>G (p.Lys533Arg)

Gene: NBN (nibrin; minus strand). Cytogenetic location: 8q21.3.
Variant type: single nucleotide variant.
Coding change: c.1598A>G on transcript NM_002485.5 (MANE Select); coding-DNA position 1598, A replaced by G.
Protein change: p.Lys533Arg; replaces lysine 533 with arginine.
Molecular consequence: missense variant.
Genome position (GRCh38, 1-based): chr8:89,953,491, T>C on the plus strand (A>G on the coding strand, the complement: NBN is on the minus strand). VCF-style: chr8-89953491-T-C. GRCh37 (hg19) VCF-style: chr8-90965719-T-C.
Other names: c.1352A>G, p.Lys451Arg (NM_001024688.3); short protein forms K451R, K533R.
Identifiers: ClinVar variation 2062746 (VCV002062746.6), dbSNP rs1810546274, ClinGen allele CA371655514.
Genomic context (GRCh38, chr8:89,953,491, plus strand): 5'-ATTTCCCTTTTTTTATTTGATCTTAGCTTTTCTGCAGCATGAGATTTACTGGCAGAATTT[T>C]TCACAATAGATTTTAAATCTGTATCTGTAAATAAGTTATTGTCTGAGTTTGTGTCCACAG-3'
Protein context (NP_002476.2, residues 523-543): FTDTDLKSIV[Lys533Arg]NSASKSHAAE

ClinVar aggregate classification (germline): Uncertain significance. Review status: criteria provided, multiple submitters, no conflicts (2 of 4 stars). 3 submissions from 3 submitters: Uncertain significance (3). Last evaluated 2025-06-08.

Conditions:
Hereditary cancer-predisposing syndrome. Also called: Tumor predisposition; Hereditary Cancer Syndrome; Hereditary neoplastic syndrome; Neoplastic Syndromes, Hereditary. Identifiers: Orphanet 140162, MedGen C0027672, MeSH D009386, MONDO:0015356.
Microcephaly, normal intelligence and immunodeficiency (NBS). Also called: Ataxia telangiectasia variant V1; SEEMANOVA SYNDROME II; IMMUNODEFICIENCY, MICROCEPHALY, AND CHROMOSOMAL INSTABILITY; Nijmegen breakage syndrome; BERLIN BREAKAGE SYNDROME; Microcephaly with normal intelligence immunodeficiency and lymphoreticular malignancies. Identifiers: Orphanet 647, MedGen C0398791, MONDO:0009623, OMIM 251260.

Submissions (3):

Ambry Genetics
Classification: Uncertain significance for Hereditary cancer-predisposing syndrome. Last evaluated: 2025-06-08. Review status: criteria provided, single submitter. Criteria: Ambry Variant Classification Scheme 2023. Collection method: clinical testing. Allele origin: germline.
Comment: The p.K533R variant (also known as c.1598A>G), located in coding exon 11 of the NBN gene, results from an A to G substitution at nucleotide position 1598. The lysine at codon 533 is replaced by arginine, an amino acid with highly similar properties. This amino acid position is conserved. In addition, this alteration is predicted to be tolerated by in silico analysis. Based on the available evidence, the clinical significance of this variant remains unclear.

GeneDx
Classification: Uncertain significance. Last evaluated: 2022-11-18. Review status: criteria provided, single submitter. Criteria: GeneDx Variant Classification Process June 2021. Collection method: clinical testing. Allele origin: germline. Affected: yes.
Comment: Not observed at significant frequency in large population cohorts (gnomAD); In silico analysis supports that this missense variant does not alter protein structure/function; Has not been previously published as pathogenic or benign to our knowledge

Labcorp Genetics (formerly Invitae), Labcorp
Classification: Uncertain significance for Microcephaly, normal intelligence and immunodeficiency. Last evaluated: 2022-11-08. Review status: criteria provided, single submitter. Criteria: Invitae Variant Classification Sherloc (09022015). Collection method: clinical testing. Allele origin: germline.
Comment: In summary, the available evidence is currently insufficient to determine the role of this variant in disease. Therefore, it has been classified as a Variant of Uncertain Significance. Algorithms developed to predict the effect of missense changes on protein structure and function (SIFT, PolyPhen-2, Align-GVGD) all suggest that this variant is likely to be tolerated. This variant has not been reported in the literature in individuals affected with NBN-related conditions. This variant is not present in population databases (gnomAD no frequency). This sequence change replaces lysine, which is basic and polar, with arginine, which is basic and polar, at codon 533 of the NBN protein (p.Lys533Arg).